The following is an entry in ClinVar:

NM_000143.4(FH):c.973A>C (p.Ser325Arg)

Gene: FH (fumarate hydratase; minus strand). Cytogenetic location: 1q43.
Variant type: single nucleotide variant.
Coding change: c.973A>C on transcript NM_000143.4 (MANE Select); coding-DNA position 973, A replaced by C.
Protein change: p.Ser325Arg; replaces serine 325 with arginine.
Molecular consequence: missense variant.
Genome position (GRCh38, 1-based): chr1:241,504,177, T>G on the plus strand (A>C on the coding strand, the complement: FH is on the minus strand). VCF-style: chr1-241504177-T-G. GRCh37 (hg19) VCF-style: chr1-241667477-T-G.
Other names: short protein forms S325R.
Identifiers: ClinVar variation 3659206 (VCV003659206.2).

ClinVar aggregate classification (germline): Uncertain significance (1 of 4 stars; one submission).

Submission:

Labcorp Genetics (formerly Invitae), Labcorp
Classification: Uncertain significance. Last evaluated: 2024-07-11. Review status: criteria provided, single submitter. Criteria: Invitae Variant Classification Sherloc (09022015). Collection method: clinical testing. Allele origin: germline.
Comment: This sequence change replaces serine, which is neutral and polar, with arginine, which is basic and polar, at codon 325 of the FH protein (p.Ser325Arg). This variant is not present in population databases (gnomAD no frequency). This variant has not been reported in the literature in individuals affected with FH-related conditions. Advanced modeling of protein sequence and biophysical properties (such as structural, functional, and spatial information, amino acid conservation, physicochemical variation, residue mobility, and thermodynamic stability) performed at Invitae indicates that this missense variant is expected to disrupt FH protein function with a positive predictive value of 95%. In summary, the available evidence is currently insufficient to determine the role of this variant in disease. Therefore, it has been classified as a Variant of Uncertain Significance.